The following is an entry in ClinVar:

NM_004937.3(CTNS):c.442A>T (p.Met148Leu)

Genes: CTNS (cystinosin, lysosomal cystine transporter; plus strand), CTNS-AS1 (CTNS antisense RNA 1; minus strand). Cytogenetic location: 17p13.2.
Variant type: single nucleotide variant.
Coding change: c.442A>T on transcript NM_004937.3 (MANE Select); coding-DNA position 442, A replaced by T.
Protein change: p.Met148Leu; replaces methionine 148 with leucine.
Molecular consequence: missense variant. On other transcripts: initiator codon variant (4).
Genome position (GRCh38, 1-based): chr17:3,655,333, A>T. VCF-style: chr17-3655333-A-T. GRCh37 (hg19) VCF-style: chr17-3558627-A-T.
Other names: c.442A>T, p.Met148Leu (NM_001031681.3, NM_001374492.1); c.1A>T, p.Met1Leu (NM_001374493.1, NM_001374494.1, NM_001374495.1 and 1 more transcripts); short protein forms M148L, M1L.
Identifiers: ClinVar variation 1438138 (VCV001438138.7), dbSNP rs779895948, ClinGen allele CA8291712.

ClinVar aggregate classification (germline): Uncertain significance. Review status: criteria provided, multiple submitters, no conflicts (2 of 4 stars). 2 submissions from 2 submitters: Uncertain significance (2). Last evaluated 2024-04-14.

Conditions:
Inborn genetic diseases. Identifiers: MedGen C0950123, MeSH D030342.
Juvenile nephropathic cystinosis. Also called: Intermediate Cystinosis; CYSTINOSIS, LATE-ONSET JUVENILE OR ADOLESCENT NEPHROPATHIC TYPE; Later-Onset (Juvenile) Cystinosis. Identifiers: Orphanet 213, Orphanet 411634, MedGen C0268626, MONDO:0009066, OMIM 219900.
Ocular cystinosis. Also called: Non-Nephropathic Cystinosis; Non-Nephropathic (Ocular) Cystinosis. Identifiers: Orphanet 213, Orphanet 411641, MedGen C2931013, MONDO:0009064, OMIM 219750.
Nephropathic cystinosis (CTNS). Also called: Abderhalden Lignac Kaufmann disease; Abderhalden-Kaufmann-Lignac syndrome; CYSTINOSIN, DEFECT OF; LYSOSOMAL CYSTINE TRANSPORT PROTEIN, DEFECT OF. Identifiers: Orphanet 213, Orphanet 411629, MedGen C2931187, MONDO:0100151, OMIM 219800.

Allele frequency attached by ClinVar (database versions not stated): gnomAD 0.00001; gnomAD exomes 0.00001; TOPMed 0.00001; ExAC 0.00002.

Submissions (2):

Fulgent Genetics
Classification: Uncertain significance for Ocular cystinosis; Nephropathic cystinosis; Juvenile nephropathic cystinosis. Last evaluated: 2024-04-14. Review status: criteria provided, single submitter. Criteria: ACMG Guidelines, 2015. Collection method: clinical testing. Allele origin: germline.

Labcorp Genetics (formerly Invitae), Labcorp
Classification: Uncertain significance for Inborn genetic diseases; Ocular cystinosis; Juvenile nephropathic cystinosis. Last evaluated: 2021-10-29. Review status: criteria provided, single submitter. Criteria: Invitae Variant Classification Sherloc (09022015). Collection method: clinical testing. Allele origin: germline.
Comment: This sequence change replaces methionine, which is neutral and non-polar, with leucine, which is neutral and non-polar, at codon 148 of the CTNS protein (p.Met148Leu). This variant is present in population databases (rs779895948, gnomAD 0.01%). This variant has not been reported in the literature in individuals affected with CTNS-related conditions. Advanced modeling of protein sequence and biophysical properties (such as structural, functional, and spatial information, amino acid conservation, physicochemical variation, residue mobility, and thermodynamic stability) performed at Invitae indicates that this missense variant is not expected to disrupt CTNS protein function. In summary, the available evidence is currently insufficient to determine the role of this variant in disease. Therefore, it has been classified as a Variant of Uncertain Significance.